The following is an entry in ClinVar:

NM_152618.3(BBS12):c.1392_1395del (p.Cys464fs)

Gene: BBS12 (Bardet-Biedl syndrome 12; plus strand). Cytogenetic location: 4q27.
Variant type: Microsatellite.
Coding change: c.1392_1395del on transcript NM_152618.3 (MANE Select); coding-DNA positions 1392 to 1395, 4 bases deleted (TGTG; older notation c.1392_1395delTGTG).
Protein change: p.Cys464fs; shifts the reading frame from cysteine 464.
Molecular consequence: frameshift variant.
Genome position (GRCh38, 1-based): chr4:122,743,284-122,743,287, TGTG deleted; deleting any 4 consecutive bases within chr4:122,743,282-122,743,287 gives the same sequence; the c. name uses the placement nearest the transcript's 3' end. VCF-style (leftmost placement, unchanged base first): chr4-122743281-TTGTG-T. GRCh37 (hg19) VCF-style: chr4-123664436-TTGTG-T.
Other names: c.1392_1395del, p.Cys464fs (NM_001178007.2); short protein forms C464fs.
Identifiers: ClinVar variation 1440165 (VCV001440165.8), dbSNP rs2150737232, ClinGen allele CA2580616768.

ClinVar aggregate classification (germline): Pathogenic. Review status: criteria provided, single submitter (1 of 4 stars). 2 submissions from 2 submitters: Pathogenic (1). 1 of the submissions does not count toward it. Last evaluated 2020-11-21.

Conditions:
Bardet-Biedl syndrome (BBS). Identifiers: Orphanet 110, MedGen C0752166, MONDO:0015229.
Bardet-Biedl syndrome 1 (BBS1). Identifiers: MedGen C2936862, MONDO:0008854, OMIM 209900. Disease mechanism: loss of function.

Submissions (2):

Labcorp Genetics (formerly Invitae), Labcorp
Classification: Pathogenic for Bardet-Biedl syndrome. Last evaluated: 2020-11-21. Review status: criteria provided, single submitter. Criteria: Invitae Variant Classification Sherloc (09022015). Collection method: clinical testing. Allele origin: germline.
Comment: This variant disrupts the C-terminus of the BBS12 protein. Other variant(s) that disrupt this region (p.Asp687Valfs*3) have been determined to be pathogenic (Invitae). This suggests that variants that disrupt this region of the protein are likely to be causative of disease. This variant has not been reported in the literature in individuals with BBS12-related conditions. This variant is not present in population databases (ExAC no frequency). This sequence change creates a premature translational stop signal (p.Cys464Trpfs*7) in the BBS12 gene. While this is not anticipated to result in nonsense mediated decay, it is expected to disrupt the last 247 amino acid(s) of the BBS12 protein. For these reasons, this variant has been classified as Pathogenic.

Advanced Center For Translational And Genetic Medicine, Ann & Robert H. Lurie Children's Hospital Of Chicago
Classification: Pathogenic for Bardet-Biedl syndrome 1. Last evaluated: 2023-05-10. Review status: no assertion criteria provided. Collection method: research. Allele origin: paternal. Affected: yes. Observed: 1 compound heterozygote. Not counted in ClinVar's aggregate classification.